The following is an entry in ClinVar:

ClinVar aggregate classification (germline): Uncertain significance (1 of 4 stars; one submission).

Conditions:
Malignant hyperthermia, susceptibility to, 1 (MHS1). Also called: Anesthesia related hyperthermia; Malignant hyperpyrexia; Fulminating hyperpyrexia; Pharmacogenic myopathy; Malignant hyperthermia suceptibility 1; RYR1-Related Malignant Hyperthermia Susceptibility. Identifiers: Orphanet 423, MedGen C2930980, MONDO:0007783, OMIM 145600.

Submission:

All of Us Research Program, National Institutes of Health
Classification: Uncertain significance for Malignant hyperthermia, susceptibility to, 1. Last evaluated: 2024-03-24. Review status: criteria provided, single submitter. Criteria: ACMG Guidelines, 2015. Collection method: clinical testing. Allele origin: germline. Inheritance: Autosomal dominant inheritance. Observed: 1 variant allele, 1 heterozygote.
Comment: This missense variant replaces aspartic acid with valine at codon 2047 of the RYR1 protein. Computational prediction suggests that this variant may not impact protein structure and function (internally defined REVEL score threshold <= 0.5, PMID: 27666373). To our knowledge, functional studies have not been reported for this variant. This variant has not been reported in individuals affected with RYR1-related disorders in the literature. This variant has not been identified in the general population by the Genome Aggregation Database (gnomAD). The available evidence is insufficient to determine the role of this variant in disease conclusively. Therefore, this variant is classified as a Variant of Uncertain Significance.

This study involves interpretation of variants in research participants for the purpose of population health screening. Participant phenotype was not available at the time of variant classification. Additional details can be found in publication PMID: 35346344, PMCID: PMC8962531

NM_000540.3(RYR1):c.6140A>T (p.Asp2047Val)

Gene: RYR1 (ryanodine receptor 1; plus strand). Cytogenetic location: 19q13.2.
Variant type: single nucleotide variant.
Coding change: c.6140A>T on transcript NM_000540.3 (MANE Select); coding-DNA position 6140, A replaced by T.
Protein change: p.Asp2047Val; replaces aspartic acid 2047 with valine.
Molecular consequence: missense variant.
Genome position (GRCh38, 1-based): chr19:38,492,502, A>T. VCF-style: chr19-38492502-A-T. GRCh37 (hg19) VCF-style: chr19-38983142-A-T.
Other names: c.6140A>T, p.Asp2047Val (NM_001042723.2); short protein forms D2047V.
Identifiers: ClinVar variation 3385414 (VCV003385414.1).